The following is an entry in ClinVar:

ClinVar aggregate classification (germline): Conflicting classifications of pathogenicity. Review status: criteria provided, conflicting classifications (1 of 4 stars). 3 submissions from 3 submitters: Uncertain significance (1); Likely benign (1). 1 of the submissions does not count toward it. Last evaluated 2024-12-20.

Conditions:
Dyskeratosis congenita, autosomal dominant 2. Identifiers: MedGen C3151443, MONDO:0013521, OMIM 613989.
Idiopathic Pulmonary Fibrosis. Also called: Idiopathic fibrosing alveolitis, chronic form; idiopathic fibrosing alveolitis. Identifiers: Orphanet 2032, MedGen C1800706, MeSH D054990, MONDO:0800504.
TERT-related disorder. Also called: TERT-related disorders; TERT-related condition.
Dyskeratosis congenita. Identifiers: Orphanet 1775, MedGen C0265965, MONDO:0015780.

Allele frequency attached by ClinVar (database versions not stated): gnomAD exomes below 0.00001.
gnomAD v4.1: 1 of 1,548,724 alleles (0.000065%); highest among the groups gnomAD compares: Non-Finnish European, 0.000087%; no homozygotes.

Submissions (3):

Labcorp Genetics (formerly Invitae), Labcorp
Classification: Uncertain significance for Dyskeratosis congenita, autosomal dominant 2; Idiopathic Pulmonary Fibrosis. Last evaluated: 2024-12-20. Review status: criteria provided, single submitter. Criteria: Invitae Variant Classification Sherloc (09022015). Collection method: clinical testing. Allele origin: germline.
Comment: This sequence change replaces proline, which is neutral and non-polar, with arginine, which is basic and polar, at codon 445 of the TERT protein (p.Pro445Arg). This variant is not present in population databases (gnomAD no frequency). This variant has not been reported in the literature in individuals affected with TERT-related conditions. ClinVar contains an entry for this variant (Variation ID: 971459). Invitae Evidence Modeling of protein sequence and biophysical properties (such as structural, functional, and spatial information, amino acid conservation, physicochemical variation, residue mobility, and thermodynamic stability) indicates that this missense variant is not expected to disrupt TERT protein function with a negative predictive value of 95%. In summary, the available evidence is currently insufficient to determine the role of this variant in disease. Therefore, it has been classified as a Variant of Uncertain Significance.

Ambry Genetics
Classification: Likely benign for Dyskeratosis congenita. Last evaluated: 2023-01-16. Review status: criteria provided, single submitter. Criteria: Ambry Variant Classification Scheme 2023. Collection method: clinical testing. Allele origin: germline.

PreventionGenetics, part of Exact Sciences
Classification: Uncertain significance for TERT-related condition. Last evaluated: 2024-02-28. Review status: no assertion criteria provided. Collection method: clinical testing. Allele origin: germline. Not counted in ClinVar's aggregate classification.
Comment: The TERT c.1334C>G variant is predicted to result in the amino acid substitution p.Pro445Arg. To our knowledge, this variant has not been reported in the literature or in a large population database, indicating this variant is rare. This variant is interpreted as a variant of uncertain significance in ClinVar. At this time, the clinical significance of this variant is uncertain due to the absence of conclusive functional and genetic evidence.

NM_198253.3(TERT):c.1334C>G (p.Pro445Arg)

Gene: TERT (telomerase reverse transcriptase; minus strand). Cytogenetic location: 5p15.33.
Variant type: single nucleotide variant.
Coding change: c.1334C>G on transcript NM_198253.3 (MANE Select); coding-DNA position 1334, C replaced by G.
Protein change: p.Pro445Arg; replaces proline 445 with arginine.
Molecular consequence: missense variant. On other transcripts: non-coding transcript variant (2).
Genome position (GRCh38, 1-based): chr5:1,293,552, G>C on the plus strand (C>G on the coding strand, the complement: TERT is on the minus strand). VCF-style: chr5-1293552-G-C. GRCh37 (hg19) VCF-style: chr5-1293667-G-C.
Other names: c.1334C>G, p.Pro445Arg (NM_001193376.3); short protein forms P445R.
Identifiers: ClinVar variation 971459 (VCV000971459.13), dbSNP rs956854933, ClinGen allele CA112957663.
Genomic context (GRCh38, chr5:1,293,552, plus strand): 5'-ACGAAGCCGTACACCTGCCAGGGGCTGCTGTGCTGGCGGAGCAGCTGCACCAGGCGACGG[G>C]GGTCTGTGTCCTCCTCCTCGGGGGCCGCCACAGAGCCCTGGGGCTTCTCCCGGGCACAGA-3'
Protein context (NP_937983.2, residues 435-455): VAAPEEEDTD[Pro445Arg]RRLVQLLRQH